The following is an entry in ClinVar:

ClinVar aggregate classification (germline): Benign/Likely benign. Review status: criteria provided, multiple submitters, no conflicts (2 of 4 stars). 2 submissions from 2 submitters: Benign (1); Likely benign (1). Last evaluated 2026-09-14.

Conditions:
Colorectal cancer, hereditary nonpolyposis, type 7. Identifiers: Orphanet 144, MedGen C1858380, MONDO:0013725, OMIM 614385.

Submissions (2):

Myriad Genetics, Inc.
Classification: Benign for Colorectal cancer, hereditary nonpolyposis, type 7. Last evaluated: 2026-09-14. Review status: criteria provided, single submitter. Criteria: Myriad Autosomal Dominant, Autosomal Recessive and X-Linked Classification Criteria (2023). Collection method: clinical testing. Allele origin: unknown.
Comment: This variant is considered benign. This variant is a silent/synonymous amino acid change and it is not expected to impact splicing.

Ambry Genetics
Classification: Likely benign. Last evaluated: 2022-06-13. Review status: criteria provided, single submitter. Criteria: Ambry Variant Classification Scheme 2023. Collection method: clinical testing. Allele origin: germline.

NM_001040108.2(MLH3):c.3054A>G (p.Gly1018=)

Gene: MLH3 (mutL homolog 3; minus strand). Cytogenetic location: 14q24.3.
Variant type: single nucleotide variant.
Coding change: c.3054A>G on transcript NM_001040108.2 (MANE Select); coding-DNA position 3054, A replaced by G.
Protein change: p.Gly1018=; no amino-acid change (glycine 1018 retained).
Molecular consequence: synonymous variant.
Genome position (GRCh38, 1-based): chr14:75,046,602, T>C on the plus strand (A>G on the coding strand, the complement: MLH3 is on the minus strand). VCF-style: chr14-75046602-T-C. GRCh37 (hg19) VCF-style: chr14-75513305-T-C.
Other names: c.3054A>G, p.Gly1018= (NM_014381.3).
Identifiers: ClinVar variation 1799287 (VCV001799287.3), dbSNP rs2503254890, ClinGen allele CA487273126.